The following is an entry in ClinVar:

ClinVar aggregate classification (germline): Pathogenic. Review status: criteria provided, multiple submitters, no conflicts (2 of 4 stars). 2 submissions from 2 submitters: Pathogenic (2). Last evaluated 2024-06-16.

Conditions:
Curry-Hall syndrome (WAD). Also called: WEYERS ACRODENTAL DYSOSTOSIS. Identifiers: Orphanet 952, MedGen C0457013, MONDO:0008673, OMIM 193530.
Ellis-van Creveld syndrome (EVC). Also called: Chondroectodermal dysplasia; EVC-Related Ellis-van Creveld Syndrome; EVC2-Related Ellis-van Creveld Syndrome; MESOECTODERMAL DYSPLASIA. Identifiers: Orphanet 289, MedGen C0013903, MONDO:0009162, OMIM 225500.

Allele frequency attached by ClinVar (database versions not stated): gnomAD 0.00001; ExAC 0.00002; gnomAD exomes 0.00002; TOPMed 0.00003.
gnomAD v4.1: 23 of 1,613,952 alleles (0.0014%); highest among the groups gnomAD compares: African/African-American, 0.0053%; no homozygotes.

Submissions (2):

Labcorp Genetics (formerly Invitae), Labcorp
Classification: Pathogenic for Curry-Hall syndrome; Ellis-van Creveld syndrome. Last evaluated: 2024-06-16. Review status: criteria provided, single submitter. Criteria: Invitae Variant Classification Sherloc (09022015). Collection method: clinical testing. Allele origin: germline.
Comment: This sequence change creates a premature translational stop signal (p.Arg698*) in the EVC2 gene. It is expected to result in an absent or disrupted protein product. Loss-of-function variants in EVC2 are known to be pathogenic (PMID: 17024374, 19810119, 19876929). This variant is present in population databases (rs781623802, gnomAD 0.007%). This variant has not been reported in the literature in individuals affected with EVC2-related conditions. ClinVar contains an entry for this variant (Variation ID: 656440). For these reasons, this variant has been classified as Pathogenic.

ARUP Laboratories, Molecular Genetics and Genomics, ARUP Laboratories
Classification: Pathogenic. Last evaluated: 2023-06-15. Review status: criteria provided, single submitter. Criteria: ARUP Molecular Germline Variant Investigation Process 2024. Collection method: clinical testing. Allele origin: germline.
Comment: The EVC2 c.2092C>T; p.Arg698Ter variant (rs781623802), to our knowledge, is not reported in the medical literature but is reported as pathogenic in ClinVar (Variation ID: 656440). This variant is found on only six chromosomes (6/250338 alleles) in the Genome Aggregation Database. This variant induces an early termination codon and is predicted to result in a truncated protein or mRNA subject to nonsense-mediated decay. EVC2 loss-of-function is an established mechanism of disease, and multiple truncating variants downstream of p.Arg698Ter have been reported in affected individuals and are considered disease-causing (Valencia 2009). Based on available information, the p.Arg698Ter variant is considered to be pathogenic. References: Valencia M et al. Widening the mutation spectrum of EVC and EVC2: ectopic expression of Weyer variants in NIH 3T3 fibroblasts disrupts Hedgehog signaling. Hum Mutat. 2009 Dec;30(12):1667-75.

Literature cited by the submitters: PubMed 17024374 (cited by Labcorp Genetics (formerly Invitae), Labcorp); PubMed 19810119 (cited by Labcorp Genetics (formerly Invitae), Labcorp); PubMed 19876929 (cited by Labcorp Genetics (formerly Invitae), Labcorp).

NM_147127.5(EVC2):c.2092C>T (p.Arg698Ter)

Gene: EVC2 (EvC ciliary complex subunit 2; minus strand). Cytogenetic location: 4p16.2.
Variant type: single nucleotide variant.
Coding change: c.2092C>T on transcript NM_147127.5 (MANE Select); coding-DNA position 2092, C replaced by T.
Protein change: p.Arg698Ter; replaces arginine 698 with a stop codon.
Molecular consequence: nonsense.
Genome position (GRCh38, 1-based): chr4:5,622,946, G>A on the plus strand (C>T on the coding strand, the complement: EVC2 is on the minus strand). VCF-style: chr4-5622946-G-A. GRCh37 (hg19) VCF-style: chr4-5624673-G-A.
Other names: c.1852C>T, p.Arg618Ter (NM_001166136.2); short protein forms R698*, R618*.
Identifiers: ClinVar variation 656440 (VCV000656440.10), dbSNP rs781623802, ClinGen allele CA2834808.